The following is an entry in ClinVar:

ClinVar aggregate classification (germline): Likely benign (1 of 4 stars; one submission).

Conditions:
F13B-related disorder. Also called: F13B-related condition.

gnomAD v4.1: 23 of 1,613,148 alleles (0.0014%); highest among the groups gnomAD compares: Admixed American, 0.033%; no homozygotes.

Submission:

PreventionGenetics, part of Exact Sciences
Classification: Likely benign for F13B-related condition. Last evaluated: 2026-07-06. Review status: criteria provided, single submitter. Criteria: ACMG Guidelines, 2015. Collection method: clinical testing. Allele origin: germline.
Comment: This variant is classified as likely benign based on ACMG/AMP sequence variant interpretation guidelines (Richards et al. 2015 PMID: 25741868, with internal and published modifications).

NM_001994.3(F13B):c.1575A>G (p.Thr525=)

Gene: F13B (coagulation factor XIII B chain; minus strand). Cytogenetic location: 1q31.3.
Variant type: single nucleotide variant.
Coding change: c.1575A>G on transcript NM_001994.3 (MANE Select); coding-DNA position 1575, A replaced by G.
Protein change: p.Thr525=; no amino-acid change (threonine 525 retained).
Molecular consequence: synonymous variant.
Genome position (GRCh38, 1-based): chr1:197,050,860, T>C on the plus strand (A>G on the coding strand, the complement: F13B is on the minus strand). VCF-style: chr1-197050860-T-C. GRCh37 (hg19) VCF-style: chr1-197019990-T-C.
Identifiers: ClinVar variation 4980346 (VCV004980346.1).
Genomic context (GRCh38, chr1:197,050,860, plus strand): 5'-ATTTTCATAGGTGTCTACTGTTGAACTAATAATGACTCCATGTTTAATAAGAGGAGGAGA[T>C]GTGCACATTCCTTTAGATTCTGCAAAAATAAGTTTTAAAGTATACAATGAATTGCTATAA-3'
Protein context (NP_001985.2, residues 515-535): CTRKESKGMC[Thr525=]SPPLIKHGVI